The following is an entry in ClinVar:

ClinVar aggregate classification (germline): Uncertain significance (1 of 4 stars; one submission).

Conditions:
Inborn genetic diseases. Identifiers: MedGen C0950123, MeSH D030342.

Submission:

Ambry Genetics
Classification: Uncertain significance for Inborn genetic diseases. Last evaluated: 2024-04-22. Review status: criteria provided, single submitter. Criteria: Ambry Variant Classification Scheme 2023. Collection method: clinical testing. Allele origin: germline.
Comment: The c.1387A>C (p.T463P) alteration is located in exon 18 (coding exon 18) of the CAMK2A gene. This alteration results from an A to C substitution at nucleotide position 1387, causing the threonine (T) at amino acid position 463 to be replaced by a proline (P). This variant was not reported in population-based cohorts in the Genome Aggregation Database (gnomAD). This amino acid position is highly conserved in available vertebrate species. The in silico prediction for this alteration is inconclusive. Based on insufficient or conflicting evidence, the clinical significance of this alteration remains unclear.

NM_015981.4(CAMK2A):c.1387A>C (p.Thr463Pro)

Gene: CAMK2A (calcium/calmodulin dependent protein kinase II alpha; minus strand). Cytogenetic location: 5q32.
Variant type: single nucleotide variant.
Coding change: c.1387A>C on transcript NM_015981.4 (MANE Select); coding-DNA position 1387, A replaced by C.
Protein change: p.Thr463Pro; replaces threonine 463 with proline.
Molecular consequence: missense variant.
Genome position (GRCh38, 1-based): chr5:150,223,068, T>G on the plus strand (A>C on the coding strand, the complement: CAMK2A is on the minus strand). VCF-style: chr5-150223068-T-G. GRCh37 (hg19) VCF-style: chr5-149602631-T-G.
Other names: c.1387A>C, p.Thr463Pro (NM_001363989.1); c.1354A>C, p.Thr452Pro (NM_001363990.1, NM_001369025.2, NM_171825.3); short protein forms T452P, T463P.
Identifiers: ClinVar variation 3263005 (VCV003263005.1).